The following is an entry in ClinVar:

NM_182961.4(SYNE1):c.21875dup (p.Leu7293fs)

Gene: SYNE1 (spectrin repeat containing nuclear envelope protein 1; minus strand). Cytogenetic location: 6q25.2.
Variant type: Duplication.
Coding change: c.21875dup on transcript NM_182961.4 (MANE Select); coding-DNA position 21875, one base duplicated (G; older notation c.21875dupG).
Protein change: p.Leu7293fs; shifts the reading frame from leucine 7293.
Molecular consequence: frameshift variant.
Genome position (GRCh38, 1-based): chr6:152,219,172, C duplicated on the plus strand (G on the coding strand, the reverse complement: SYNE1 is on the minus strand); the first of 2 consecutive C bases (chr6:152,219,172-152,219,173); duplicating either gives the same sequence. VCF-style (leftmost placement, unchanged base first): chr6-152219171-T-TC. GRCh37 (hg19) VCF-style: chr6-152540306-T-TC.
Other names: c.21662dup, p.Leu7222fs (NM_033071.5); short protein forms L7222fs, L7293fs.
Identifiers: ClinVar variation 5003175 (VCV005003175.1).
Genomic context (GRCh38, chr6:152,219,171, plus strand): 5'-TTGCTTCAGTTGCTCTCCCAGCTCATGGAGAAAAAAGAGGGAATCTTTAACTGTGCCCAG[T>TC]CCTTTGAGGAGGTCCTAGAAGAGGTGAAAATATGCCCACTCTGAAGCATGTTGATACTCC-3'

ClinVar aggregate classification (germline): Likely pathogenic (1 of 4 stars; one submission).

Conditions:
Autosomal recessive ataxia, Beauce type. Also called: Spinocerebellar ataxia, autosomal recessive 8; SYNE1 Deficiency; ATAXIA, RECESSIVE, OF BEAUCE; SYNE1-Related Autosomal Recessive Cerebellar Ataxia. Identifiers: Orphanet 88644, MedGen C1853116, MONDO:0012549, OMIM 610743.

Submission:

OLLIN Analises Genomicas, OLLIN
Classification: Likely pathogenic for Autosomal recessive ataxia, Beauce type. Last evaluated: 2026-08-06. Review status: criteria provided, single submitter. Criteria: ACMG Guidelines 2015 PMID 25741868. Collection method: clinical testing. Allele origin: germline.
Comment: This frameshift variant, located in exon 120 (of 146), is absent from gnomAD and ClinVar and has not been identified in the literature. This variant causes a frameshift and introduces a premature stop codon, which is predicted to result in either a truncated protein or degradation of the mRNA via nonsense-mediated decay (NMD). According to the currently available evidence, this variant has been classified as likely pathogenic (PVS1, PM2_P).